The following is an entry in ClinVar:

NM_130849.4(SLC39A4):c.543del (p.Val182fs)

Gene: SLC39A4 (solute carrier family 39 member 4; minus strand). Cytogenetic location: 8q24.3.
Variant type: Deletion.
Coding change: c.543del on transcript NM_130849.4 (MANE Select); coding-DNA position 543, one base deleted (C; older notation c.543delC).
Protein change: p.Val182fs; shifts the reading frame from valine 182.
Molecular consequence: frameshift variant.
Genome position (GRCh38, 1-based): chr8:144,415,351, G deleted on the plus strand (C on the coding strand, the reverse complement: SLC39A4 is on the minus strand). VCF-style (leftmost placement, unchanged base first): chr8-144415350-CG-C. GRCh37 (hg19) VCF-style: chr8-145640734-CG-C.
Other names: c.261del, p.Val88fs (NM_001374839.1); c.468del, p.Val157fs (NM_017767.3); short protein forms V157fs, V182fs, V88fs.
Identifiers: ClinVar variation 962561 (VCV000962561.7), dbSNP rs1822128152, ClinGen allele CA1139660829.

ClinVar aggregate classification (germline): Pathogenic (1 of 4 stars; one submission).

Allele frequency attached by ClinVar (database versions not stated): gnomAD exomes below 0.00001.

Submission:

Labcorp Genetics (formerly Invitae), Labcorp
Classification: Pathogenic. Last evaluated: 2022-07-22. Review status: criteria provided, single submitter. Criteria: Invitae Variant Classification Sherloc (09022015). Collection method: clinical testing. Allele origin: germline.
Comment: For these reasons, this variant has been classified as Pathogenic. ClinVar contains an entry for this variant (Variation ID: 962561). This variant has not been reported in the literature in individuals affected with SLC39A4-related conditions. This variant is not present in population databases (gnomAD no frequency). This sequence change creates a premature translational stop signal (p.Val182Serfs*38) in the SLC39A4 gene. It is expected to result in an absent or disrupted protein product. Loss-of-function variants in SLC39A4 are known to be pathogenic (PMID: 12955721).

Literature cited by the submitters: PubMed 12955721.